The following is an entry in ClinVar:

ClinVar aggregate classification (germline): Uncertain significance (1 of 4 stars; one submission).

Allele frequency attached by ClinVar (database versions not stated): gnomAD 0.00002; ESP Exome Variant Server 0.00008; TOPMed 0.00001; gnomAD exomes below 0.00001; ExAC 0.00001.
gnomAD v4.1: 9 of 1,614,014 alleles (0.00056%); highest among the groups gnomAD compares: Non-Finnish European, 0.00059%; no homozygotes.

Submission:

Labcorp Genetics (formerly Invitae), Labcorp
Classification: Uncertain significance. Last evaluated: 2022-09-09. Review status: criteria provided, single submitter. Criteria: Invitae Variant Classification Sherloc (09022015). Collection method: clinical testing. Allele origin: germline.
Comment: This sequence change replaces aspartic acid, which is acidic and polar, with asparagine, which is neutral and polar, at codon 391 of the MMP14 protein (p.Asp391Asn). This variant is present in population databases (rs375264361, gnomAD 0.0009%). This variant has not been reported in the literature in individuals affected with MMP14-related conditions. Advanced modeling of protein sequence and biophysical properties (such as structural, functional, and spatial information, amino acid conservation, physicochemical variation, residue mobility, and thermodynamic stability) performed at Invitae indicates that this missense variant is not expected to disrupt MMP14 protein function. In summary, the available evidence is currently insufficient to determine the role of this variant in disease. Therefore, it has been classified as a Variant of Uncertain Significance.

NM_004995.4(MMP14):c.1171G>A (p.Asp391Asn)

Gene: MMP14 (matrix metallopeptidase 14; plus strand). Cytogenetic location: 14q11.2.
Variant type: single nucleotide variant.
Coding change: c.1171G>A on transcript NM_004995.4 (MANE Select); coding-DNA position 1171, G replaced by A.
Protein change: p.Asp391Asn; replaces aspartic acid 391 with asparagine.
Molecular consequence: missense variant.
Genome position (GRCh38, 1-based): chr14:22,844,650, G>A. VCF-style: chr14-22844650-G-A. GRCh37 (hg19) VCF-style: chr14-23313859-G-A.
Other names: short protein forms D391N.
Identifiers: ClinVar variation 2072469 (VCV002072469.4), dbSNP rs375264361, ClinGen allele CA7105397.